The following is an entry in ClinVar:

NM_006623.4(PHGDH):c.1345A>G (p.Asn449Asp)

Gene: PHGDH (phosphoglycerate dehydrogenase; plus strand). Cytogenetic location: 1p12.
Variant type: single nucleotide variant.
Coding change: c.1345A>G on transcript NM_006623.4 (MANE Select); coding-DNA position 1345, A replaced by G.
Protein change: p.Asn449Asp; replaces asparagine 449 with aspartic acid.
Molecular consequence: missense variant.
Genome position (GRCh38, 1-based): chr1:119,742,942, A>G. VCF-style: chr1-119742942-A-G. GRCh37 (hg19) VCF-style: chr1-120285565-A-G.
Other names: short protein forms N449D.
Identifiers: ClinVar variation 1432161 (VCV001432161.4), dbSNP rs2101225206, ClinGen allele CA341853754.

ClinVar aggregate classification (germline): Uncertain significance (1 of 4 stars; one submission).

Conditions:
PHGDH deficiency. Identifiers: Orphanet 79351, MedGen C1866174, MONDO:0011152, OMIM 601815.

Submission:

Labcorp Genetics (formerly Invitae), Labcorp
Classification: Uncertain significance for PHGDH deficiency. Last evaluated: 2023-08-30. Review status: criteria provided, single submitter. Criteria: Invitae Variant Classification Sherloc (09022015). Collection method: clinical testing. Allele origin: germline.
Comment: This sequence change replaces asparagine, which is neutral and polar, with aspartic acid, which is acidic and polar, at codon 449 of the PHGDH protein (p.Asn449Asp). This variant is not present in population databases (gnomAD no frequency). This variant has not been reported in the literature in individuals affected with PHGDH-related conditions. ClinVar contains an entry for this variant (Variation ID: 1432161). Advanced modeling of protein sequence and biophysical properties (such as structural, functional, and spatial information, amino acid conservation, physicochemical variation, residue mobility, and thermodynamic stability) has been performed at Invitae for this missense variant, however the output from this modeling did not meet the statistical confidence thresholds required to predict the impact of this variant on PHGDH protein function. In summary, the available evidence is currently insufficient to determine the role of this variant in disease. Therefore, it has been classified as a Variant of Uncertain Significance.